The following is an entry in ClinVar:

NM_004793.4(LONP1):c.2809G>C (p.Glu937Gln)

Gene: LONP1 (lon peptidase 1, mitochondrial; minus strand). Cytogenetic location: 19p13.3.
Variant type: single nucleotide variant.
Coding change: c.2809G>C on transcript NM_004793.4 (MANE Select); coding-DNA position 2809, G replaced by C.
Protein change: p.Glu937Gln; replaces glutamic acid 937 with glutamine.
Molecular consequence: missense variant. On other transcripts: non-coding transcript variant (1).
Genome position (GRCh38, 1-based): chr19:5,692,103, C>G on the plus strand (G>C on the coding strand, the complement: LONP1 is on the minus strand). VCF-style: chr19-5692103-C-G. GRCh37 (hg19) VCF-style: chr19-5692114-C-G.
Other names: c.2617G>C, p.Glu873Gln (NM_001276479.2); c.2221G>C, p.Glu741Gln (NM_001276480.1); short protein forms E873Q, E937Q, E741Q.
Identifiers: ClinVar variation 2776546 (VCV002776546.3), dbSNP rs1313548542, ClinGen allele CA403524866.

ClinVar aggregate classification (germline): Uncertain significance (1 of 4 stars; one submission).

Allele frequency attached by ClinVar (database versions not stated): gnomAD 0.00001.
gnomAD v4.1: 1 of 1,603,600 alleles (0.000062%); highest among the groups gnomAD compares: Non-Finnish European, 0.000085%; no homozygotes.

Submission:

Labcorp Genetics (formerly Invitae), Labcorp
Classification: Uncertain significance. Last evaluated: 2023-12-11. Review status: criteria provided, single submitter. Criteria: Invitae Variant Classification Sherloc (09022015). Collection method: clinical testing. Allele origin: germline.
Comment: This sequence change replaces glutamic acid, which is acidic and polar, with glutamine, which is neutral and polar, at codon 937 of the LONP1 protein (p.Glu937Gln). This variant is present in population databases (no rsID available, gnomAD 0.007%). This variant has not been reported in the literature in individuals affected with LONP1-related conditions. Advanced modeling of protein sequence and biophysical properties (such as structural, functional, and spatial information, amino acid conservation, physicochemical variation, residue mobility, and thermodynamic stability) performed at Invitae indicates that this missense variant is not expected to disrupt LONP1 protein function with a negative predictive value of 80%. In summary, the available evidence is currently insufficient to determine the role of this variant in disease. Therefore, it has been classified as a Variant of Uncertain Significance.